The following is an entry in ClinVar:

ClinVar aggregate classification (germline): Conflicting classifications of pathogenicity. Review status: criteria provided, conflicting classifications (1 of 4 stars). 3 submissions from 3 submitters: Uncertain significance (2); Likely benign (1). Last evaluated 2024-07-15.

Conditions:
Hereditary breast ovarian cancer syndrome. Also called: Hereditary breast and ovarian cancer syndrome (HBOC); BRCA1- and BRCA2-Associated Hereditary Breast and Ovarian Cancer; Hereditary breast and ovarian cancer syndrome; Breast and ovarian cancer; Hereditary breast and ovarian cancer; Hereditary breast and/or ovarian cancer syndrome. Identifiers: Orphanet 145, MedGen C0677776, MeSH D061325, MONDO:0003582. Disease mechanism: loss of function.
Hereditary cancer-predisposing syndrome. Also called: Hereditary neoplastic syndrome; Neoplastic Syndromes, Hereditary; Tumor predisposition; Hereditary Cancer Syndrome. Identifiers: Orphanet 140162, MedGen C0027672, MeSH D009386, MONDO:0015356.

Submissions (3):

Ambry Genetics
Classification: Uncertain significance for Hereditary cancer-predisposing syndrome. Last evaluated: 2024-07-15. Review status: criteria provided, single submitter. Criteria: Ambry Variant Classification Scheme 2023. Collection method: clinical testing. Allele origin: germline.
Comment: The c.517-3delC intronic variant, located in intron 5 of the BRCA2 gene, results from a deletion of one nucleotide within intron 5 of the BRCA2 gene. This nucleotide position is not well conserved in available vertebrate species. In silico splice site analysis predicts that this alteration will not have any significant effect on splicing. Based on the available evidence, the clinical significance of this variant remains unclear.

Color Diagnostics, LLC DBA Color Health
Classification: Uncertain significance for Hereditary cancer-predisposing syndrome. Last evaluated: 2019-12-16. Review status: criteria provided, single submitter. Criteria: ACMG Guidelines, 2015. Collection method: clinical testing. Allele origin: germline.
Comment: This variant causes 1 nucleotide deletion at -3 position in intron 6 of the BRCA2 gene. To our knowledge, functional studies have not been performed for this variant. This variant has not been reported in individuals affected with hereditary cancer in the literature. This variant has not been identified in the general population by the Genome Aggregation Database (gnomAD). The available evidence is insufficient to determine the role of this variant in disease conclusively. Therefore, this variant is classified as a Variant of Uncertain Significance.

Labcorp Genetics (formerly Invitae), Labcorp
Classification: Likely benign for Hereditary breast ovarian cancer syndrome. Last evaluated: 2019-04-03. Review status: criteria provided, single submitter. Criteria: Invitae Variant Classification Sherloc (09022015). Collection method: clinical testing. Allele origin: germline.

NM_000059.4(BRCA2):c.517-3del

Gene: BRCA2 (BRCA2 DNA repair associated; plus strand). Cytogenetic location: 13q13.1.
Variant type: Deletion.
Coding change: c.517-3del on transcript NM_000059.4 (MANE Select); 3 bases into the intron before coding-DNA position 517, one base deleted (C; older notation c.517-3delC).
Molecular consequence: intron variant.
Genome position (GRCh38, 1-based): chr13:32,326,496, C deleted; the last of 3 consecutive C bases (chr13:32,326,494-32,326,496); deleting any one gives the same sequence. VCF-style (leftmost placement, unchanged base first): chr13-32326493-TC-T. GRCh37 (hg19) VCF-style: chr13-32900630-TC-T.
Other names: c.517-3delC (NM_000059.3).
Identifiers: ClinVar variation 531489 (VCV000531489.15), dbSNP rs779951024, ClinGen allele CA6940394.
Genomic context (GRCh38, chr13:32,326,493, plus strand): 5'-GAAAAAATAATATCCTTAATGATCAGGGCATTTCTATAAAAAATAAACTATTTTCTTTCC[TC>T]CCAGGGTCGTCAGACACCAAAACATATTTCTGAAAGTCTAGGAGCTGAGGTGGATCCTGA-3'